The following is an entry in ClinVar:

NM_001122769.3(LCA5):c.1924G>A (p.Gly642Arg)

Gene: LCA5 (lebercilin LCA5; minus strand). Cytogenetic location: 6q14.1.
Variant type: single nucleotide variant.
Coding change: c.1924G>A on transcript NM_001122769.3 (MANE Select); coding-DNA position 1924, G replaced by A.
Protein change: p.Gly642Arg; replaces glycine 642 with arginine.
Molecular consequence: missense variant.
Genome position (GRCh38, 1-based): chr6:79,487,174, C>T on the plus strand (G>A on the coding strand, the complement: LCA5 is on the minus strand). VCF-style: chr6-79487174-C-T. GRCh37 (hg19) VCF-style: chr6-80196891-C-T.
Other names: c.1924G>A, p.Gly642Arg (NM_181714.4); short protein forms G642R.
Identifiers: ClinVar variation 3544472 (VCV003544472.1).

ClinVar aggregate classification (germline): Uncertain significance (1 of 4 stars; one submission).

Conditions:
Leber congenital amaurosis (LCA). Also called: Leber's amaurosis. Identifiers: Orphanet 65, MedGen C0339527, MeSH D057130, MONDO:0018998.
Early-onset retinitis pigmentosa.

gnomAD v4.1: 1 of 1,613,990 alleles (0.000062%); highest among the groups gnomAD compares: Non-Finnish European, 0.000085%; no homozygotes.

Submission:

Lab De Baere, Eye and Developmental Genetics Lab, Ghent University
Classification: Uncertain significance for Leber congenital amaurosis; Early-onset retinitis pigmentosa. Last evaluated: 2024-10-01. Review status: criteria provided, single submitter. Criteria: ACMG Guidelines, 2015. Collection method: research. Allele origin: inherited. Affected: yes. Observed: 1 variant allele.
Comment: ACMG/AMP guidelines: PM2, PP4_PP, BP4, PM3_PP